The following is an entry in ClinVar:

ClinVar aggregate classification (germline): Conflicting classifications of pathogenicity. Review status: criteria provided, conflicting classifications (1 of 4 stars). 9 submissions from 9 submitters: Uncertain significance (3); Likely benign (5). 1 of the submissions does not count toward it. Last evaluated 2026-01-28.

Conditions:
Cardiovascular phenotype. Identifiers: MedGen CN230736.
Alstrom syndrome (ALMS). Identifiers: Orphanet 64, MedGen C0268425, MONDO:0008763, OMIM 203800.

Allele frequency attached by ClinVar (database versions not stated): ESP Exome Variant Server 0.00033; gnomAD exomes 0.00040 and 0.00059; TOPMed 0.00050; gnomAD 0.00051 and 0.00053; ExAC 0.00055.
gnomAD v4.1: 669 of 1,613,926 alleles (0.041%); highest among the groups gnomAD compares: Non-Finnish European, 0.038%; no homozygotes.

Submissions (9):

Labcorp Genetics (formerly Invitae), Labcorp
Classification: Likely benign for Alstrom syndrome. Last evaluated: 2026-01-28. Review status: criteria provided, single submitter. Criteria: Invitae Variant Classification Sherloc (09022015). Collection method: clinical testing. Allele origin: germline.

ARUP Laboratories, Molecular Genetics and Genomics, ARUP Laboratories
Classification: Uncertain significance for Alstrom syndrome. Last evaluated: 2025-04-08. Review status: criteria provided, single submitter. Criteria: ARUP Molecular Germline Variant Investigation Process 2024. Collection method: clinical testing. Allele origin: germline.
Comment: The ALMS1 c.9712C>T; p.Arg3238Cys variant (rs201252375, ClinVar Variation ID: 403927), also known as c.9715C>T; p.Arg3239Cys for NM_015120.4, is reported in the literature in individuals affected with early onset atrial fibrillation and Alstrom syndrome (Goodyer 2019, Zmyslowska 2016). This variant is found in the general population with an overall allele frequency of 0.06% (170/280,862 alleles) in the Genome Aggregation Database (v2.1.1). Computational analyses predict that this variant is neutral (REVEL: 0.147). Due to limited information, the clinical significance of this variant is uncertain at this time. References: Goodyer WR et al. Broad Genetic Testing in a Clinical Setting Uncovers a High Prevalence of Titin Loss-of-Function Variants in Very Early Onset Atrial Fibrillation. Circ Genom Precis Med. 2019 Nov;12(11):e002713. PMID: 31638414. Zmyslowska A et al. Genetic evaluation of patients with AlstrÃ¶m syndrome in the Polish population. Clin Genet. 2016 Apr;89(4):448-453. PMID: 26283575.

Blueprint Genetics
Classification: Likely benign. Last evaluated: 2024-11-20. Review status: criteria provided, single submitter. Criteria: ACMG Guidelines, 2015. Collection method: clinical testing. Allele origin: germline.

CeGaT Center for Human Genetics Tuebingen
Classification: Likely benign. Last evaluated: 2023-10-01. Review status: criteria provided, single submitter. Criteria: CeGaT Center For Human Genetics Tuebingen Variant Classification Criteria Version 2. Collection method: clinical testing. Allele origin: germline. Affected: yes. Observed: 2 variant alleles.
Comment: ALMS1: BP4

Ambry Genetics
Classification: Likely benign for Cardiovascular phenotype. Last evaluated: 2021-12-06. Review status: criteria provided, single submitter. Criteria: Ambry Variant Classification Scheme 2023. Collection method: clinical testing. Allele origin: germline.

Women's Health and Genetics/Laboratory Corporation of America, LabCorp
Classification: Uncertain significance. Last evaluated: 2020-11-09. Review status: criteria provided, single submitter. Criteria: LabCorp Variant Classification Summary - May 2015. Collection method: clinical testing. Allele origin: germline.
Comment: Variant summary: ALMS1 c.9709C>T (p.Arg3237Cys) results in a non-conservative amino acid change in the encoded protein sequence. Three of five in-silico tools predict a damaging effect of the variant on protein function. The variant allele was found at a frequency of 0.00059 in 249464 control chromosomes. This frequency is not significantly higher than expected for a pathogenic variant in ALMS1 causing Alstrom Syndrome (0.00059 vs 0.0014), allowing no conclusion about variant significance. c.9709C>T has been reported in the literature in individuals affected with Alstrom Syndrome or Very Early Onset Atrial Fibrillation (Zmyslowska_2016, Goodyer_2019). These reports do not provide unequivocal conclusions about association of the variant with Alstrom Syndrome. To our knowledge, no experimental evidence demonstrating an impact on protein function has been reported. Three clinical diagnostic laboratories have submitted clinical-significance assessments for this variant to ClinVar after 2014 without evidence for independent evaluation. Based on the evidence outlined above, the variant was classified as uncertain significance.

GeneDx
Classification: Likely benign. Last evaluated: 2020-09-08. Review status: criteria provided, single submitter. Criteria: GeneDx Variant Classification Process June 2021. Collection method: clinical testing. Allele origin: germline. Affected: yes.

Stanford Center for Inherited Cardiovascular Disease, Stanford University
Classification: Uncertain significance. Last evaluated: 2017-05-02. Review status: criteria provided, single submitter. Criteria: ACMG Guidelines, 2015. Collection method: provider interpretation. Allele origin: germline.

Natera, Inc.
Classification: Likely benign for Alstrom syndrome. Last evaluated: 2020-06-05. Review status: no assertion criteria provided. Collection method: clinical testing. Allele origin: germline. Not counted in ClinVar's aggregate classification.

Literature cited by the submitters: PubMed 31638414 (cited by Women's Health and Genetics/Laboratory Corporation of America, LabCorp); PubMed 26283575 (cited by Women's Health and Genetics/Laboratory Corporation of America, LabCorp).

NM_001378454.1(ALMS1):c.9712C>T (p.Arg3238Cys)

Gene: ALMS1 (ALMS1 centrosome and basal body associated protein; plus strand). Cytogenetic location: 2p13.1.
Variant type: single nucleotide variant.
Coding change: c.9712C>T on transcript NM_001378454.1 (MANE Select); coding-DNA position 9712, C replaced by T.
Protein change: p.Arg3238Cys; replaces arginine 3238 with cysteine.
Molecular consequence: missense variant.
Genome position (GRCh38, 1-based): chr2:73,519,947, C>T. VCF-style: chr2-73519947-C-T. GRCh37 (hg19) VCF-style: chr2-73747074-C-T.
Other names: c.9715C>T, p.Arg3239Cys (NM_015120.4); short protein forms R3239C, R3238C.
Identifiers: ClinVar variation 403927 (VCV000403927.45), dbSNP rs201252375, ClinGen allele CA1714745.